The following is an entry in ClinVar:

ClinVar aggregate classification (germline): Uncertain significance (1 of 4 stars; one submission).

Submission:

Labcorp Genetics (formerly Invitae), Labcorp
Classification: Uncertain significance. Last evaluated: 2025-02-10. Review status: criteria provided, single submitter. Criteria: Invitae Variant Classification Sherloc (09022015). Collection method: clinical testing. Allele origin: germline.
Comment: This variant, c.276_281del, results in the deletion of 2 amino acid(s) of the SYT2 protein (p.Lys92_Lys93del), but otherwise preserves the integrity of the reading frame. This variant is present in population databases (rs778763613, gnomAD 0.1%). This variant has not been reported in the literature in individuals affected with SYT2-related conditions. Experimental studies and prediction algorithms are not available or were not evaluated, and the functional significance of this variant is currently unknown. In summary, the available evidence is currently insufficient to determine the role of this variant in disease. Therefore, it has been classified as a Variant of Uncertain Significance.

NM_177402.5(SYT2):c.270GAA[2] (p.Lys92_Lys93del)

Gene: SYT2 (synaptotagmin 2; minus strand). Cytogenetic location: 1q32.1.
Variant type: Microsatellite.
Coding change: c.270GAA[2] on transcript NM_177402.5 (MANE Select); two copies in a row of the 3-base unit GAA starting at c.270; the reference has four copies in a row; two copies, 6 bases deleted.
Protein change: p.Lys92_Lys93del.
Molecular consequence: inframe deletion.
Genome position (GRCh38, 1-based): chr1:202,604,519-202,604,524, TTCTTC deleted on the plus strand (GAAGAA on the coding strand, the reverse complement: SYT2 is on the minus strand); deleting any 6 consecutive bases within chr1:202,604,519-202,604,532 gives the same sequence; the position shown is the placement nearest the transcript's 3' end. VCF-style (leftmost placement, unchanged base first): chr1-202604518-GTTCTTC-G. GRCh37 (hg19) VCF-style: chr1-202573646-GTTCTTC-G.
Other names: c.270GAA[2], p.Lys92_Lys93del (NM_001136504.1).
Identifiers: ClinVar variation 1415368 (VCV001415368.8), dbSNP rs745806917, ClinGen allele CA1333830.
Genomic context (GRCh38, chr1:202,604,518, plus strand): 5'-ACCCCCTTTCATGTCCTTCATGTTCATGGCATTCTTCATGCCTTTGCCCTTCTCCTTCTT[GTTCTTC>G]TTCTTCTTGCAGCAGCATTTCTTGCAGATGCAGAAGCAGCAGGTGAGAAGCAGGAGCCCA-3'